The following is an entry in ClinVar:

NM_003590.5(CUL3):c.1248G>A (p.Met416Ile)

Gene: CUL3 (cullin 3; minus strand). Cytogenetic location: 2q36.2.
Variant type: single nucleotide variant.
Coding change: c.1248G>A on transcript NM_003590.5 (MANE Select); coding-DNA position 1248, G replaced by A.
Protein change: p.Met416Ile; replaces methionine 416 with isoleucine.
Molecular consequence: missense variant.
Genome position (GRCh38, 1-based): chr2:224,503,781, C>T on the plus strand (G>A on the coding strand, the complement: CUL3 is on the minus strand). VCF-style: chr2-224503781-C-T. GRCh37 (hg19) VCF-style: chr2-225368498-C-T.
Other names: c.1050G>A, p.Met350Ile (NM_001257197.2); c.1266G>A, p.Met422Ile (NM_001257198.2); short protein forms M350I, M416I, M422I.
Identifiers: ClinVar variation 1309503 (VCV001309503.3), dbSNP rs2106197396, ClinGen allele CA350827622.

ClinVar aggregate classification (germline): Uncertain significance (1 of 4 stars; one submission).

Submission:

GeneDx
Classification: Uncertain significance. Last evaluated: 2024-02-08. Review status: criteria provided, single submitter. Criteria: GeneDx Variant Classification Process June 2021. Collection method: clinical testing. Allele origin: germline. Affected: yes.
Comment: Not observed in large population cohorts (gnomAD); In silico analysis supports that this missense variant has a deleterious effect on protein structure/function; In silico analysis is inconclusive as to whether the variant alters gene splicing. In the absence of RNA/functional studies, the actual effect of this sequence change is unknown.; Has not been previously published as pathogenic or benign to our knowledge